The following is an entry in ClinVar:

ClinVar aggregate classification (germline): Pathogenic (1 of 4 stars; one submission).

Submission:

Labcorp Genetics (formerly Invitae), Labcorp
Classification: Pathogenic. Last evaluated: 2022-04-17. Review status: criteria provided, single submitter. Criteria: Invitae Variant Classification Sherloc (09022015). Collection method: clinical testing. Allele origin: germline.
Comment: This variant has not been reported in the literature in individuals affected with IL6ST-related conditions. For these reasons, this variant has been classified as Pathogenic. This variant is not present in population databases (gnomAD no frequency). This sequence change creates a premature translational stop signal (p.Phe608Leufs*14) in the IL6ST gene. It is expected to result in an absent or disrupted protein product. Loss-of-function variants in IL6ST are known to be pathogenic (PMID: 31914175).

Literature cited by the submitters: PubMed 31914175.

NM_002184.4(IL6ST):c.1824del (p.Phe608fs)

Gene: IL6ST (interleukin 6 cytokine family signal transducer; minus strand). Cytogenetic location: 5q11.2.
Variant type: Deletion.
Coding change: c.1824del on transcript NM_002184.4 (MANE Select); coding-DNA position 1824, one base deleted (T; older notation c.1824delT).
Protein change: p.Phe608fs; shifts the reading frame from phenylalanine 608.
Molecular consequence: frameshift variant. On other transcripts: 3 prime UTR variant (1), non-coding transcript variant (2).
Genome position (GRCh38, 1-based): chr5:55,951,480, A deleted on the plus strand (T on the coding strand, the reverse complement: IL6ST is on the minus strand); the first of 4 consecutive A bases (chr5:55,951,480-55,951,483); deleting any one gives the same sequence. VCF-style (leftmost placement, unchanged base first): chr5-55951479-TA-T. GRCh37 (hg19) VCF-style: chr5-55247307-TA-T.
Other names: c.1641del, p.Phe547fs (NM_001190981.2); c.1722del, p.Phe574fs (NM_001364275.2); c.1614del, p.Phe538fs (NM_001364276.2); c.957del, p.Phe319fs (NM_001364277.2); c.921del, p.Phe307fs (NM_001364278.2); c.828del, p.Phe276fs (NM_001364279.2); c.*751del (NM_175767.3); short protein forms F319fs, F276fs, F307fs, F547fs, F538fs, F574fs, F608fs.
Identifiers: ClinVar variation 2127249 (VCV002127249.4), dbSNP rs2533477700, ClinGen allele CA2580073327.
Genomic context (GRCh38, chr5:55,951,479, plus strand): 5'-CCTAAGTTTGAGAAAGAAAAAAAACCAAACTTCATTATTTCTTACCAAACTTTGGGGTAG[TA>T]AAAGTGAATTCTGGACCATCCTTCCCACCTTCATCTGTGTATGCTGCCATTCGTACCATG-3'